The following is an entry in ClinVar:

ClinVar aggregate classification (germline): Uncertain significance (1 of 4 stars; one submission).

Conditions:
Brugada syndrome 5 (BRGDA5). Identifiers: Orphanet 130, Orphanet 871, MedGen C2748541, MONDO:0013015, OMIM 612838.

Submission:

Labcorp Genetics (formerly Invitae), Labcorp
Classification: Uncertain significance for Brugada syndrome 5. Last evaluated: 2023-07-16. Review status: criteria provided, single submitter. Criteria: Invitae Variant Classification Sherloc (09022015). Collection method: clinical testing. Allele origin: germline.
Comment: In summary, the available evidence is currently insufficient to determine the role of this variant in disease. Therefore, it has been classified as a Variant of Uncertain Significance. An algorithm developed to predict the effect of missense changes on protein structure and function (PolyPhen-2) suggests that this variant is likely to be tolerated. This variant has not been reported in the literature in individuals affected with SCN1B-related conditions. This variant is not present in population databases (gnomAD no frequency). This sequence change replaces histidine, which is basic and polar, with tyrosine, which is neutral and polar, at codon 223 of the SCN1B protein (p.His223Tyr).

NM_001037.5(SCN1B):c.448+219C>T

Gene: SCN1B (sodium voltage-gated channel beta subunit 1; plus strand). Cytogenetic location: 19q13.11.
Variant type: single nucleotide variant.
Coding change: c.448+219C>T on transcript NM_001037.5 (MANE Select); 219 bases into the intron after coding-DNA position 448, C replaced by T.
Molecular consequence: intron variant. On other transcripts: missense variant (1).
Genome position (GRCh38, 1-based): chr19:35,033,958, C>T. VCF-style: chr19-35033958-C-T. GRCh37 (hg19) VCF-style: chr19-35524862-C-T.
Other names: c.667C>T, p.His223Tyr (NM_199037.5); c.349+219C>T (NM_001321605.2); short protein forms H223Y.
Identifiers: ClinVar variation 2974517 (VCV002974517.3), dbSNP rs754870200, ClinGen allele CA405329597.
Genomic context (GRCh38, chr19:35,033,958, plus strand): 5'-CTCCAGCTCTGGCCTCTGTTTCTCTCCAGCCCACGGAGAGGTCAAAGCATGCCTGTCCCC[C>T]ACAGACGCTCCGGGTACAGAACCCAGCTCTGTCACCTGTGCTGTATGACCTCTGGCAGGT-3'